The following is an entry in ClinVar:

NM_138694.4(PKHD1):c.7311delinsTT (p.Val2438fs)

Gene: PKHD1 (PKHD1 ciliary IPT domain containing fibrocystin/polyductin; minus strand). Cytogenetic location: 6p12.2.
Variant type: Indel.
Coding change: c.7311delinsTT on transcript NM_138694.4 (MANE Select); coding-DNA position 7311, A replaced by TT.
Protein change: p.Val2438fs; shifts the reading frame from valine 2438.
Molecular consequence: frameshift variant.
Genome position (GRCh38, 1-based): chr6:51,883,132, T replaced by AA on the plus strand (A replaced by TT on the coding strand, the reverse complement: PKHD1 is on the minus strand). VCF-style: chr6-51883132-T-AA. GRCh37 (hg19) VCF-style: chr6-51747930-T-AA.
Other names: c.7311delinsTT, p.Val2438fs (NM_170724.3); short protein forms V2438fs.
Identifiers: ClinVar variation 1724888 (VCV001724888.2), dbSNP rs2536179053, ClinGen allele CA2580075445.

ClinVar aggregate classification (germline): Likely pathogenic (1 of 4 stars; one submission).

Conditions:
Polycystic kidney disease 4 (PKD4). Also called: POLYCYSTIC KIDNEY AND HEPATIC DISEASE 1; POLYCYSTIC KIDNEY DISEASE, INFANTILE, TYPE I; POLYCYSTIC KIDNEY DISEASE 4 WITH OR WITHOUT POLYCYSTIC LIVER DISEASE; PKD3; Autosomal Recessive Polycystic Kidney Disease – PKHD1. Identifiers: MedGen C4540575, MONDO:0033004, OMIM 263200.

Submission:

Myriad Genetics, Inc.
Classification: Likely pathogenic for Polycystic kidney disease 4. Last evaluated: 2022-03-02. Review status: criteria provided, single submitter. Criteria: Myriad Women's Health Autosomal Recessive and X-Linked Classification Criteria (2021). Collection method: clinical testing. Allele origin: unknown.
Comment: NM_138694.3(PKHD1):c.7311delAinsTT(V2438Cfs*3) is expected to be pathogenic in the context of autosomal recessive polycystic kidney disease, PKHD1-related. This variant is predicted to lead to an abnormal or absent protein product due to the creation of a premature termination codon in PKHD1, a gene where loss-of-function variants are known to be pathogenic. Please note: this variant was assessed in the context of healthy population screening.